The following is an entry in ClinVar:

NM_001370466.1(NOD2):c.397G>A (p.Gly133Ser)

Gene: NOD2 (nucleotide binding oligomerization domain containing 2; plus strand). Cytogenetic location: 16q12.1.
Variant type: single nucleotide variant.
Coding change: c.397G>A on transcript NM_001370466.1 (MANE Select); coding-DNA position 397, G replaced by A.
Protein change: p.Gly133Ser; replaces glycine 133 with serine.
Molecular consequence: missense variant. On other transcripts: non-coding transcript variant (1).
Genome position (GRCh38, 1-based): chr16:50,699,892, G>A. VCF-style: chr16-50699892-G-A. GRCh37 (hg19) VCF-style: chr16-50733803-G-A.
Other names: c.397G>A, p.Gly133Ser (NM_001293557.2); c.478G>A, p.Gly160Ser (NM_022162.3); short protein forms G133S, G160S.
Identifiers: ClinVar variation 2940561 (VCV002940561.3), dbSNP rs2509134580, ClinGen allele CA395866844.

ClinVar aggregate classification (germline): Uncertain significance (1 of 4 stars; one submission).

Conditions:
Regional enteritis. Also called: Enteritis, Granulomatous. Identifiers: MedGen C0678202, MeSH D003424.
Blau syndrome (BLAUS). Also called: ARTHROCUTANEOUVEAL GRANULOMATOSIS; GRANULOMATOSIS, FAMILIAL JUVENILE SYSTEMIC; GRANULOMATOSIS, FAMILIAL, BLAU TYPE; GRANULOMATOUS INFLAMMATORY ARTHRITIS, DERMATITIS, AND UVEITIS, FAMILIAL; JABS SYNDROME. Identifiers: Orphanet 90340, MedGen C5201146, MONDO:0008523, OMIM 186580.

Submission:

Labcorp Genetics (formerly Invitae), Labcorp
Classification: Uncertain significance for Regional enteritis; Blau syndrome. Last evaluated: 2023-10-05. Review status: criteria provided, single submitter. Criteria: Invitae Variant Classification Sherloc (09022015). Collection method: clinical testing. Allele origin: germline.
Comment: This sequence change replaces glycine, which is neutral and non-polar, with serine, which is neutral and polar, at codon 160 of the NOD2 protein (p.Gly160Ser). This variant is not present in population databases (gnomAD no frequency). This variant has not been reported in the literature in individuals affected with NOD2-related conditions. Advanced modeling of protein sequence and biophysical properties (such as structural, functional, and spatial information, amino acid conservation, physicochemical variation, residue mobility, and thermodynamic stability) performed at Invitae indicates that this missense variant is not expected to disrupt NOD2 protein function. In summary, the available evidence is currently insufficient to determine the role of this variant in disease. Therefore, it has been classified as a Variant of Uncertain Significance.